The following is an entry in ClinVar:

ClinVar aggregate classification (germline): Uncertain significance. Review status: criteria provided, multiple submitters, no conflicts (2 of 4 stars). 2 submissions from 2 submitters: Uncertain significance (2). Last evaluated 2024-01-26.

Allele frequency attached by ClinVar (database versions not stated): gnomAD exomes 0.00005 and 0.00022; ExAC 0.00013; gnomAD 0.00004.

Submissions (2):

Labcorp Genetics (formerly Invitae), Labcorp
Classification: Uncertain significance. Last evaluated: 2024-01-26. Review status: criteria provided, single submitter. Criteria: Invitae Variant Classification Sherloc (09022015). Collection method: clinical testing. Allele origin: germline.
Comment: This variant, c.182_183insGGA, results in the insertion of 1 amino acid(s) of the KCNV2 protein (p.Gly61_Glu62insAsp), but otherwise preserves the integrity of the reading frame. This variant is present in population databases (rs762687075, gnomAD 0.1%). This variant has not been reported in the literature in individuals affected with KCNV2-related conditions. ClinVar contains an entry for this variant (Variation ID: 960299). Experimental studies and prediction algorithms are not available or were not evaluated, and the functional significance of this variant is currently unknown. In summary, the available evidence is currently insufficient to determine the role of this variant in disease. Therefore, it has been classified as a Variant of Uncertain Significance.

Blueprint Genetics
Classification: Uncertain significance. Last evaluated: 2023-02-01. Review status: criteria provided, single submitter. Criteria: ACMG Guidelines, 2015. Collection method: clinical testing. Allele origin: germline.

NM_133497.4(KCNV2):c.182_183insGGA (p.Gly61_Glu62insAsp)

Gene: KCNV2 (potassium voltage-gated channel modifier subfamily V member 2; plus strand). Cytogenetic location: 9p24.2.
Variant type: Insertion.
Coding change: c.182_183insGGA on transcript NM_133497.4 (MANE Select); coding-DNA positions 182 to 183, GGA inserted.
Protein change: p.Gly61_Glu62insAsp.
Molecular consequence: inframe insertion.
Genome position: GRCh38 VCF-style: chr9-2717921-G-GGGA. GRCh37 (hg19) VCF-style: chr9-2717921-G-GGGA.
Identifiers: ClinVar variation 960299 (VCV000960299.7), dbSNP rs762687075, ClinGen allele CA4965349.